The following is an entry in ClinVar:

NM_002778.4(PSAP):c.777+1G>A

Gene: PSAP (prosaposin; minus strand). Cytogenetic location: 10q22.1.
Variant type: single nucleotide variant.
Coding change: c.777+1G>A on transcript NM_002778.4 (MANE Select); the canonical splice donor site of the intron after coding-DNA position 777, G replaced by A.
Molecular consequence: splice donor variant.
Genome position (GRCh38, 1-based): chr10:71,825,836, C>T on the plus strand (G>A on the coding strand, the complement: PSAP is on the minus strand). VCF-style: chr10-71825836-C-T. GRCh37 (hg19) VCF-style: chr10-73585593-C-T.
Other names: c.777+1G>A (NM_001042466.3, NM_001042465.3).
Identifiers: ClinVar variation 2694373 (VCV002694373.3), dbSNP rs112041816, ClinGen allele CA377149089.
Genomic context (GRCh38, chr10:71,825,836, plus strand): 5'-AGAAATGACGAAACCTGAAAAACAAAGAAAAATGCTAACAAGGGGCCTCCGTGCCACCTA[C>T]CATGTGCATCATCATCTGGATAGCAATTTCAGAATACTGGCTGATATAGTTCTTGCACTG-3'

ClinVar aggregate classification (germline): Likely pathogenic (1 of 4 stars; one submission).

Conditions:
Sphingolipid activator protein 1 deficiency. Also called: METACHROMATIC LEUKODYSTROPHY DUE TO CEREBROSIDE SULFATASE ACTIVATOR DEFICIENCY; Saposin B Deficiency; Metachromatic leukodystrophy due to saposin B deficiency. Identifiers: Orphanet 512, MedGen C0268262, MONDO:0009590, OMIM 249900.

Submission:

Labcorp Genetics (formerly Invitae), Labcorp
Classification: Likely pathogenic for Sphingolipid activator protein 1 deficiency. Last evaluated: 2023-11-08. Review status: criteria provided, single submitter. Criteria: Invitae Variant Classification Sherloc (09022015). Collection method: clinical testing. Allele origin: germline.
Comment: This sequence change affects a donor splice site in intron 7 of the PSAP gene. It is expected to disrupt RNA splicing. Variants that disrupt the donor or acceptor splice site typically lead to a loss of protein function (PMID: 16199547), and loss-of-function variants in PSAP are known to be pathogenic (PMID: 8554069, 11309366, 17616409, 19267410, 30632081). This variant is not present in population databases (gnomAD no frequency). This variant has not been reported in the literature in individuals affected with PSAP-related conditions. Algorithms developed to predict the effect of sequence changes on RNA splicing suggest that this variant may disrupt the consensus splice site. In summary, the currently available evidence indicates that the variant is pathogenic, but additional data are needed to prove that conclusively. Therefore, this variant has been classified as Likely Pathogenic.

Literature cited by the submitters: PubMed 16199547; PubMed 8554069; PubMed 11309366; PubMed 17616409; PubMed 19267410; PubMed 30632081.